The following is an entry in ClinVar:

NM_001365951.3(KIF1B):c.4249C>G (p.Pro1417Ala)

Gene: KIF1B (kinesin family member 1B; plus strand). Cytogenetic location: 1p36.22.
Variant type: single nucleotide variant.
Coding change: c.4249C>G on transcript NM_001365951.3 (MANE Select); coding-DNA position 4249, C replaced by G.
Protein change: p.Pro1417Ala; replaces proline 1417 with alanine.
Molecular consequence: missense variant.
Genome position (GRCh38, 1-based): chr1:10,361,770, C>G. VCF-style: chr1-10361770-C-G. GRCh37 (hg19) VCF-style: chr1-10421828-C-G.
Other names: c.4249C>G, p.Pro1417Ala (NM_001365952.1); c.4111C>G, p.Pro1371Ala (NM_015074.3); short protein forms P1417A, P1371A.
Identifiers: ClinVar variation 2448731 (VCV002448731.2), dbSNP rs2521886170, ClinGen allele CA338317601.

ClinVar aggregate classification (germline): Uncertain significance (1 of 4 stars; one submission).

Submission:

Ambry Genetics
Classification: Uncertain significance. Last evaluated: 2022-12-12. Review status: criteria provided, single submitter. Criteria: Ambry Variant Classification Scheme 2023. Collection method: clinical testing. Allele origin: germline.
Comment: The p.P1371A variant (also known as c.4111C>G), located in coding exon 37 of the KIF1B gene, results from a C to G substitution at nucleotide position 4111. The proline at codon 1371 is replaced by alanine, an amino acid with highly similar properties. This amino acid position is conserved. In addition, this alteration is predicted to be tolerated by in silico analysis. Since supporting evidence is limited at this time, the clinical significance of this alteration remains unclear.